The following is an entry in ClinVar:

ClinVar aggregate classification (germline): Likely pathogenic (0 of 4 stars; one submission).

Conditions:
Waardenburg syndrome type 1 (WS1). Also called: WAARDENBURG SYNDROME WITH DYSTOPIA CANTHORUM; Waardenburg Syndrome Type I. Identifiers: Orphanet 894, MedGen C1847800, MONDO:0008670, OMIM 193500.

Submission:

Department of Pediatrics, Division of Medical Genetics, Faculty of Medicine Ramathibodi Hospital, Mahidol University
Classification: Likely pathogenic for Waardenburg syndrome type 1. Last evaluated: 2025-03-12. Review status: no assertion criteria provided. Collection method: research. Allele origin: de novo. Inheritance: Autosomal dominant inheritance. Affected: yes. Observed: 1 heterozygote.
Comment: This sequence change null variant (canonical +2 splice sites) in a gene where Loss-of-function in the PAX3 gene (PMID: 18325909). This variant is not present in population databases (gnomAD no frequency). For these reasons, this variant has been classified as Likely-pathogenic.

Literature cited by the submitters: PubMed 18325909.

NM_181458.4(PAX3):c.321+2T>C

Gene: PAX3 (paired box 3; minus strand). Cytogenetic location: 2q36.1.
Variant type: single nucleotide variant.
Coding change: c.321+2T>C on transcript NM_181458.4 (MANE Select); the canonical splice donor site of the intron after coding-DNA position 321, T replaced by C.
Molecular consequence: splice donor variant.
Genome position (GRCh38, 1-based): chr2:222,296,976, A>G on the plus strand (T>C on the coding strand, the complement: PAX3 is on the minus strand). VCF-style: chr2-222296976-A-G. GRCh37 (hg19) VCF-style: chr2-223161695-A-G.
Other names: c.321+2T>C (NM_001127366.3, NM_181460.4, NM_181461.4 and 4 more transcripts).
Identifiers: ClinVar variation 3774369 (VCV003774369.1).